The following is an entry in ClinVar:

ClinVar aggregate classification (germline): Benign. Review status: criteria provided, multiple submitters, no conflicts (2 of 4 stars). 2 submissions from 2 submitters: Benign (2). Last evaluated 2018-06-19.

Allele frequency attached by ClinVar (database versions not stated): gnomAD 0.54122; 1000 Genomes Project 30x 0.47829; 1000 Genomes Project 0.48243; TOPMed 0.50778.

Submissions (2):

GeneDx
Classification: Benign. Last evaluated: 2018-06-19. Review status: criteria provided, single submitter. Criteria: GeneDx Variant Classification (06012015). Collection method: clinical testing. Allele origin: germline. Affected: yes.
Comment: This variant is considered likely benign or benign based on one or more of the following criteria: it is a conservative change, it occurs at a poorly conserved position in the protein, it is predicted to be benign by multiple in silico algorithms, and/or has population frequency not consistent with disease.

Breakthrough Genomics
Classification: Benign. Review status: criteria provided, single submitter. Criteria: ACMG Guidelines, 2015. Collection method: not provided. Allele origin: germline. Inheritance: Autosomal recessive inheritance. Affected: yes.

NM_000521.3(HEXB):c.-287G>C

Gene: HEXB (hexosaminidase subunit beta; plus strand). Cytogenetic location: 5q13.3.
Variant type: single nucleotide variant.
Coding change: c.-287G>C on transcript NM_000521.3; 287 bases upstream of the start codon, G replaced by C.
Molecular consequence: intron variant (on NM_001292004.2).
Genome position (GRCh38, 1-based): chr5:74,684,974, G>C. VCF-style: chr5-74684974-G-C. GRCh37 (hg19) VCF-style: chr5-73980799-G-C.
Other names: c.-376-4354G>C (NM_001292004.2).
Identifiers: ClinVar variation 680596 (VCV000680596.4), dbSNP rs2936918, ClinGen allele CA12054922.